The following is an entry in ClinVar:

ClinVar aggregate classification (germline): Uncertain significance (1 of 4 stars; one submission).

gnomAD v4.1: 6 of 1,613,964 alleles (0.00037%); highest among the groups gnomAD compares: East Asian, 0.0022%; no homozygotes.

Submission:

Labcorp Genetics (formerly Invitae), Labcorp
Classification: Uncertain significance. Last evaluated: 2022-06-22. Review status: criteria provided, single submitter. Criteria: Invitae Variant Classification Sherloc (09022015). Collection method: clinical testing. Allele origin: germline.
Comment: This sequence change replaces serine, which is neutral and polar, with arginine, which is basic and polar, at codon 637 of the DUOX2 protein (p.Ser637Arg). This variant is present in population databases (no rsID available, gnomAD 0.006%). This variant has not been reported in the literature in individuals affected with DUOX2-related conditions. Advanced modeling of protein sequence and biophysical properties (such as structural, functional, and spatial information, amino acid conservation, physicochemical variation, residue mobility, and thermodynamic stability) performed at Invitae indicates that this missense variant is not expected to disrupt DUOX2 protein function. In summary, the available evidence is currently insufficient to determine the role of this variant in disease. Therefore, it has been classified as a Variant of Uncertain Significance.

NM_001363711.2(DUOX2):c.1911C>A (p.Ser637Arg)

Gene: DUOX2 (dual oxidase 2; minus strand). Cytogenetic location: 15q21.1.
Variant type: single nucleotide variant.
Coding change: c.1911C>A on transcript NM_001363711.2 (MANE Select); coding-DNA position 1911, C replaced by A.
Protein change: p.Ser637Arg; replaces serine 637 with arginine.
Molecular consequence: missense variant.
Genome position (GRCh38, 1-based): chr15:45,106,562, G>T on the plus strand (C>A on the coding strand, the complement: DUOX2 is on the minus strand). VCF-style: chr15-45106562-G-T. GRCh37 (hg19) VCF-style: chr15-45398760-G-T.
Other names: c.1911C>A, p.Ser637Arg (NM_014080.5); short protein forms S637R.
Identifiers: ClinVar variation 2008004 (VCV002008004.1), dbSNP rs144100380, ClinGen allele CA392273768.
Genomic context (GRCh38, chr15:45,106,562, plus strand): 5'-CCCTCCTCTGCCCAGCCCCTGCTCACCTGGCACTCCATCTTTGGCTGCTTCCTTCTTCAC[G>T]CTCTCTTTGAGTTTCTTTTGTAGCTTCTTGTGTTCTCGGCCCCGGAAATAGGCCACCACT-3'
Protein context (NP_001350640.1, residues 627-647): HKKLQKKLKE[Ser637Arg]VKKEAAKDGV